The following is an entry in ClinVar:

ClinVar aggregate classification (germline): Likely benign. Review status: criteria provided, multiple submitters, no conflicts (2 of 4 stars). 2 submissions from 2 submitters: Likely benign (2). Last evaluated 2025-07-28.

Conditions:
Malignant hyperthermia, susceptibility to, 1 (MHS1). Also called: Anesthesia related hyperthermia; Malignant hyperpyrexia; Fulminating hyperpyrexia; Pharmacogenic myopathy; RYR1-Related Malignant Hyperthermia Susceptibility; Malignant hyperthermia suceptibility 1. Identifiers: Orphanet 423, MedGen C2930980, MONDO:0007783, OMIM 145600.
RYR1-related disorder. Also called: RYR1-related disorders; RYR1-related condition. Identifiers: MedGen CN239331.

gnomAD v4.1: 4 of 1,613,646 alleles (0.00025%); highest among the groups gnomAD compares: South Asian, 0.0011%; no homozygotes.

Submissions (2):

Labcorp Genetics (formerly Invitae), Labcorp
Classification: Likely benign for RYR1-related disorder. Last evaluated: 2025-07-28. Review status: criteria provided, single submitter. Criteria: Invitae Variant Classification Sherloc (09022015). Collection method: clinical testing. Allele origin: germline.

All of Us Research Program, National Institutes of Health
Classification: Likely benign for Malignant hyperthermia, susceptibility to, 1. Last evaluated: 2023-09-04. Review status: criteria provided, single submitter. Criteria: ACMG Guidelines, 2015. Collection method: clinical testing. Allele origin: germline. Inheritance: Autosomal dominant inheritance. Observed: 1 variant allele, 1 heterozygote.
Comment: This study involves interpretation of variants in research participants for the purpose of population health screening. Participant phenotype was not available at the time of variant classification. Additional details can be found in publication PMID: 35346344, PMCID: PMC8962531

NM_000540.3(RYR1):c.5310G>T (p.Ser1770=)

Gene: RYR1 (ryanodine receptor 1; plus strand). Cytogenetic location: 19q13.2.
Variant type: single nucleotide variant.
Coding change: c.5310G>T on transcript NM_000540.3 (MANE Select); coding-DNA position 5310, G replaced by T.
Protein change: p.Ser1770=; no amino-acid change (serine 1770 retained).
Molecular consequence: synonymous variant.
Genome position (GRCh38, 1-based): chr19:38,485,965, G>T. VCF-style: chr19-38485965-G-T. GRCh37 (hg19) VCF-style: chr19-38976605-G-T.
Other names: c.5310G>T, p.Ser1770= (NM_001042723.2).
Identifiers: ClinVar variation 2896585 (VCV002896585.4), dbSNP rs1600772466, ClinGen allele CA507353380.